The following is an entry in ClinVar:

NM_001101362.3(KBTBD13):c.440C>T (p.Ala147Val)

Gene: KBTBD13 (kelch repeat and BTB domain containing 13; plus strand). Cytogenetic location: 15q22.31.
Variant type: single nucleotide variant.
Coding change: c.440C>T on transcript NM_001101362.3 (MANE Select); coding-DNA position 440, C replaced by T.
Protein change: p.Ala147Val; replaces alanine 147 with valine.
Molecular consequence: missense variant.
Genome position (GRCh38, 1-based): chr15:65,077,255, C>T. VCF-style: chr15-65077255-C-T. GRCh37 (hg19) VCF-style: chr15-65369593-C-T.
Other names: short protein forms A147V.
Identifiers: ClinVar variation 4742548 (VCV004742548.1).

ClinVar aggregate classification (germline): Uncertain significance (1 of 4 stars; one submission).

Conditions:
Nemaline myopathy 6 (NEM6). Also called: Nemaline myopathy 6, autosomal dominant. Identifiers: Orphanet 171439, MedGen C1836472, MONDO:0012237, OMIM 609273.

Submission:

Labcorp Genetics (formerly Invitae), Labcorp
Classification: Uncertain significance for Nemaline myopathy 6. Last evaluated: 2025-04-17. Review status: criteria provided, single submitter. Criteria: Invitae Variant Classification Sherloc (09022015). Collection method: clinical testing. Allele origin: germline.
Comment: This sequence change replaces alanine, which is neutral and non-polar, with valine, which is neutral and non-polar, at codon 147 of the KBTBD13 protein (p.Ala147Val). This variant is present in population databases (no rsID available, gnomAD no frequency). This variant has not been reported in the literature in individuals affected with KBTBD13-related conditions. Invitae Evidence Modeling of protein sequence and biophysical properties (such as structural, functional, and spatial information, amino acid conservation, physicochemical variation, residue mobility, and thermodynamic stability) indicates that this missense variant is not expected to disrupt KBTBD13 protein function with a negative predictive value of 80%. In summary, the available evidence is currently insufficient to determine the role of this variant in disease. Therefore, it has been classified as a Variant of Uncertain Significance.